The following is an entry in ClinVar:

ClinVar aggregate classification (germline): Pathogenic (1 of 4 stars; one submission).

Conditions:
Hereditary insensitivity to pain with anhidrosis (CIPA). Also called: NTRK1 Congenital Insensitivity to Pain with Anhidrosis; NEUROPATHY, CONGENITAL SENSORY, WITH ANHIDROSIS; hereditary sensory and autonomic neuropathy type 4; INSENSITIVITY TO PAIN, CONGENITAL, WITH ANHIDROSIS; HSAN Type IV; FAMILIAL DYSAUTONOMIA, TYPE II. Identifiers: Orphanet 642, MedGen C0020074, MONDO:0009746, OMIM 256800.

Submission:

Labcorp Genetics (formerly Invitae), Labcorp
Classification: Pathogenic for Hereditary insensitivity to pain with anhidrosis. Last evaluated: 2024-02-20. Review status: criteria provided, single submitter. Criteria: Invitae Variant Classification Sherloc (09022015). Collection method: clinical testing. Allele origin: germline.
Comment: This sequence change creates a premature translational stop signal (p.Ser469Profs*72) in the NTRK1 gene. It is expected to result in an absent or disrupted protein product. Loss-of-function variants in NTRK1 are known to be pathogenic (PMID: 10982191). This variant is not present in population databases (gnomAD no frequency). This variant has not been reported in the literature in individuals affected with NTRK1-related conditions. Algorithms developed to predict the effect of sequence changes on RNA splicing suggest that this variant may disrupt the consensus splice site. For these reasons, this variant has been classified as Pathogenic.

Literature cited by the submitters: PubMed 10982191.

NM_002529.4(NTRK1):c.1423del (p.Ser475fs)

Gene: NTRK1 (neurotrophic receptor tyrosine kinase 1; plus strand). Cytogenetic location: 1q23.1.
Variant type: Deletion.
Coding change: c.1423del on transcript NM_002529.4 (MANE Select); coding-DNA position 1423, one base deleted (T; older notation c.1423delT).
Protein change: p.Ser475fs; shifts the reading frame from serine 475.
Molecular consequence: frameshift variant.
Genome position (GRCh38, 1-based): chr1:156,875,588, T deleted. VCF-style (leftmost placement, unchanged base first): chr1-156875587-CT-C. GRCh37 (hg19) VCF-style: chr1-156845379-CT-C.
Other names: c.1315del, p.Ser439fs (NM_001007792.1); c.1405del, p.Ser469fs (NM_001012331.2); short protein forms S439fs, S475fs, S469fs.
Identifiers: ClinVar variation 3640626 (VCV003640626.2).
Genomic context (GRCh38, chr1:156,875,587, plus strand): 5'-TGTGCTGGCTCCAGAGGATGGGCTGGCCATGTCCCTGCATTTCATGACATTGGGTGGCAG[CT>C]CCCTGTCCCCCACCGAGGGCAAAGGCTCTGGGCTCCAAGGCCACATCATCGAGAACCCAC-3'